The following is an entry in ClinVar:

NM_177438.3(DICER1):c.2503G>A (p.Gly835Ser)

Gene: DICER1 (dicer 1, ribonuclease III; minus strand). Cytogenetic location: 14q32.13.
Variant type: single nucleotide variant.
Coding change: c.2503G>A on transcript NM_177438.3 (MANE Select); coding-DNA position 2503, G replaced by A.
Protein change: p.Gly835Ser; replaces glycine 835 with serine.
Molecular consequence: missense variant. On other transcripts: non-coding transcript variant (6).
Genome position (GRCh38, 1-based): chr14:95,108,027, C>T on the plus strand (G>A on the coding strand, the complement: DICER1 is on the minus strand). VCF-style: chr14-95108027-C-T. GRCh37 (hg19) VCF-style: chr14-95574364-C-T.
Other names: c.2503G>A, p.Gly835Ser (NM_001195573.1, NM_001271282.3, NM_001291628.2 and 12 more transcripts); c.2221G>A, p.Gly741Ser (NM_001395686.1); c.2098G>A, p.Gly700Ser (NM_001395687.1, NM_001395688.1, NM_001395689.1 and 2 more transcripts); c.1936G>A, p.Gly646Ser (NM_001395691.1); c.820G>A, p.Gly274Ser (NM_001395697.1); short protein forms G274S, G835S, G741S, G646S, G700S.
Identifiers: ClinVar variation 3672181 (VCV003672181.2).

ClinVar aggregate classification (germline): Uncertain significance (1 of 4 stars; one submission).

Conditions:
DICER1-related tumor predisposition. Also called: DICER1-related pleuropulmonary blastoma cancer predisposition syndrome; DICER1 syndrome. Identifiers: Orphanet 284343, MedGen C3839822, MONDO:0100216.

Submission:

Labcorp Genetics (formerly Invitae), Labcorp
Classification: Uncertain significance for DICER1-related tumor predisposition. Last evaluated: 2024-12-06. Review status: criteria provided, single submitter. Criteria: Invitae Variant Classification Sherloc (09022015). Collection method: clinical testing. Allele origin: germline.
Comment: This sequence change replaces glycine, which is neutral and non-polar, with serine, which is neutral and polar, at codon 835 of the DICER1 protein (p.Gly835Ser). This variant is not present in population databases (gnomAD no frequency). This variant has not been reported in the literature in individuals affected with DICER1-related conditions. Invitae Evidence Modeling of protein sequence and biophysical properties (such as structural, functional, and spatial information, amino acid conservation, physicochemical variation, residue mobility, and thermodynamic stability) indicates that this missense variant is not expected to disrupt DICER1 protein function with a negative predictive value of 95%. In summary, the available evidence is currently insufficient to determine the role of this variant in disease. Therefore, it has been classified as a Variant of Uncertain Significance.